The following is an entry in ClinVar:

NM_006506.5(RASA2):c.907A>G (p.Thr303Ala)

Gene: RASA2 (RAS p21 protein activator 2; plus strand). Cytogenetic location: 3q23.
Variant type: single nucleotide variant.
Coding change: c.907A>G on transcript NM_006506.5 (MANE Select); coding-DNA position 907, A replaced by G.
Protein change: p.Thr303Ala; replaces threonine 303 with alanine.
Molecular consequence: missense variant.
Genome position (GRCh38, 1-based): chr3:141,570,955, A>G. VCF-style: chr3-141570955-A-G. GRCh37 (hg19) VCF-style: chr3-141289797-A-G.
Other names: c.907A>G, p.Thr303Ala (NM_001303245.3, NM_001303246.3); short protein forms T303A.
Identifiers: ClinVar variation 1514666 (VCV001514666.8), dbSNP rs1268934567, ClinGen allele CA354775059.

ClinVar aggregate classification (germline): Uncertain significance (1 of 4 stars; one submission).

Allele frequency attached by ClinVar (database versions not stated): gnomAD exomes below 0.00001; TOPMed below 0.00001; gnomAD 0.00001.
gnomAD v4.1: 3 of 1,611,508 alleles (0.00019%); highest among the groups gnomAD compares: Admixed American, 0.0034%; no homozygotes.

Submission:

Labcorp Genetics (formerly Invitae), Labcorp
Classification: Uncertain significance. Last evaluated: 2021-03-07. Review status: criteria provided, single submitter. Criteria: Invitae Variant Classification Sherloc (09022015). Collection method: clinical testing. Allele origin: germline.
Comment: In summary, the available evidence is currently insufficient to determine the role of this variant in disease. Therefore, it has been classified as a Variant of Uncertain Significance. Algorithms developed to predict the effect of missense changes on protein structure and function (SIFT, PolyPhen-2, Align-GVGD) all suggest that this variant is likely to be tolerated, but these predictions have not been confirmed by published functional studies and their clinical significance is uncertain. This variant has not been reported in the literature in individuals with RASA2-related conditions. This variant is not present in population databases (ExAC no frequency). This sequence change replaces threonine with alanine at codon 303 of the RASA2 protein (p.Thr303Ala). The threonine residue is weakly conserved and there is a small physicochemical difference between threonine and alanine.